The following is an entry in ClinVar:

NM_017999.5(RNF31):c.58G>T (p.Ala20Ser)

Genes: RNF31 (ring finger protein 31; plus strand), LOC121468009 (Sharpr-MPRA regulatory region 11827; plus strand). Cytogenetic location: 14q12.
Variant type: single nucleotide variant.
Coding change: c.58G>T on transcript NM_017999.5 (MANE Select); coding-DNA position 58, G replaced by T.
Protein change: p.Ala20Ser; replaces alanine 20 with serine.
Molecular consequence: missense variant. On other transcripts: intron variant (1).
Genome position (GRCh38, 1-based): chr14:24,147,756, G>T. VCF-style: chr14-24147756-G-T. GRCh37 (hg19) VCF-style: chr14-24616965-G-T.
Other names: c.-325-220G>T (NM_001310332.2); short protein forms A20S.
Identifiers: ClinVar variation 1490915 (VCV001490915.8), dbSNP rs951102555, ClinGen allele CA257872107.

ClinVar aggregate classification (germline): Uncertain significance (1 of 4 stars; one submission).

Allele frequency attached by ClinVar (database versions not stated): gnomAD exomes below 0.00001; gnomAD 0.00001.

Submission:

Labcorp Genetics (formerly Invitae), Labcorp
Classification: Uncertain significance. Last evaluated: 2022-12-06. Review status: criteria provided, single submitter. Criteria: Invitae Variant Classification Sherloc (09022015). Collection method: clinical testing. Allele origin: germline.
Comment: In summary, the available evidence is currently insufficient to determine the role of this variant in disease. Therefore, it has been classified as a Variant of Uncertain Significance. Algorithms developed to predict the effect of missense changes on protein structure and function are either unavailable or do not agree on the potential impact of this missense change (SIFT: "Tolerated"; PolyPhen-2: "Possibly Damaging"; Align-GVGD: "Class C0"). ClinVar contains an entry for this variant (Variation ID: 1490915). This variant has not been reported in the literature in individuals affected with RNF31-related conditions. This variant is not present in population databases (gnomAD no frequency). This sequence change replaces alanine, which is neutral and non-polar, with serine, which is neutral and polar, at codon 20 of the RNF31 protein (p.Ala20Ser).